The following is an entry in ClinVar:

NM_001613.4(ACTA2):c.406G>A (p.Val136Met)

Gene: ACTA2 (actin alpha 2, smooth muscle; minus strand). Cytogenetic location: 10q23.31.
Variant type: single nucleotide variant.
Coding change: c.406G>A on transcript NM_001613.4 (MANE Select); coding-DNA position 406, G replaced by A.
Protein change: p.Val136Met; replaces valine 136 with methionine.
Molecular consequence: missense variant.
Genome position (GRCh38, 1-based): chr10:88,941,833, C>T on the plus strand (G>A on the coding strand, the complement: ACTA2 is on the minus strand). VCF-style: chr10-88941833-C-T. GRCh37 (hg19) VCF-style: chr10-90701590-C-T.
Other names: c.406G>A, p.Val136Met (NM_001141945.3, NM_001320855.2, NM_001406462.1 and 3 more transcripts); c.295G>A, p.Val99Met (NM_001406466.1); c.277G>A, p.Val93Met (NM_001406467.1, NM_001406468.1, NM_001406469.1); short protein forms V136M, V93M, V99M.
Identifiers: ClinVar variation 1709864 (VCV001709864.2), dbSNP rs1845859956, ClinGen allele CA377512496.

ClinVar aggregate classification (germline): Uncertain significance (1 of 4 stars; one submission).

Conditions:
Aortic aneurysm, familial thoracic 6 (AAT6). Also called: FAMILIAL THORACIC AORTIC ANEURYSM WITH LIVEDO RETICULARIS AND IRIS FLOCCULI. Identifiers: MedGen C2673186, MONDO:0012730, OMIM 611788.

Submission:

MGZ Medical Genetics Center
Classification: Uncertain significance for Aortic aneurysm, familial thoracic 6. Last evaluated: 2021-08-30. Review status: criteria provided, single submitter. Criteria: ACMG Guidelines, 2015. Collection method: clinical testing. Allele origin: germline. Affected: yes. Observed: 1 variant allele.
Comment: ACMG criteria applied: PM2_SUP, PP2, PP3